The following is an entry in ClinVar:

ClinVar aggregate classification (germline): Benign/Likely benign. Review status: criteria provided, multiple submitters, no conflicts (2 of 4 stars). 5 submissions from 5 submitters: Benign (1); Likely benign (3). 1 of the submissions does not count toward it. Last evaluated 2026-02-03.

Conditions:
BOLA3-related disorder. Also called: BOLA3-related condition.
Multiple mitochondrial dysfunctions syndrome 2 (MMDS2). Also called: MULTIPLE MITOCHONDRIAL DYSFUNCTIONS SYNDROME 2 WITH HYPERGLYCINEMIA. Identifiers: Orphanet 401874, MedGen C3280378, MONDO:0013675, OMIM 614299.

Allele frequency attached by ClinVar (database versions not stated): ExAC below 0.00001; gnomAD 0.00022; TOPMed 0.00030; gnomAD exomes 0.00044; 1000 Genomes Project 0.00060; 1000 Genomes Project 30x 0.00125.

Submissions (5):

Labcorp Genetics (formerly Invitae), Labcorp
Classification: Likely benign. Last evaluated: 2026-02-03. Review status: criteria provided, single submitter. Criteria: Invitae Variant Classification Sherloc (09022015). Collection method: clinical testing. Allele origin: germline.

Blueprint Genetics
Classification: Likely benign. Last evaluated: 2024-10-02. Review status: criteria provided, single submitter. Criteria: ACMG Guidelines, 2015. Collection method: clinical testing. Allele origin: germline.

Fulgent Genetics
Classification: Likely benign for Multiple mitochondrial dysfunctions syndrome 2. Last evaluated: 2022-03-30. Review status: criteria provided, single submitter. Criteria: ACMG Guidelines, 2015. Collection method: clinical testing. Allele origin: unknown.

GeneDx
Classification: Benign. Last evaluated: 2014-08-14. Review status: criteria provided, single submitter. Criteria: GeneDx Variant Classification (06012015). Collection method: clinical testing. Allele origin: germline. Affected: yes.
Comment: This variant is considered likely benign or benign based on one or more of the following criteria: it is a conservative change, it occurs at a poorly conserved position in the protein, it is predicted to be benign by multiple in silico algorithms, and/or has population frequency not consistent with disease.

PreventionGenetics, part of Exact Sciences
Classification: Likely benign for BOLA3-related condition. Last evaluated: 2019-06-17. Review status: no assertion criteria provided. Collection method: clinical testing. Allele origin: germline. Not counted in ClinVar's aggregate classification.
Comment: This variant is classified as likely benign based on ACMG/AMP sequence variant interpretation guidelines (Richards et al. 2015 PMID: 25741868, with internal and published modifications).

NM_212552.3(BOLA3):c.45G>T (p.Gly15=)

Gene: BOLA3 (bolA family member 3; minus strand). Cytogenetic location: 2p13.1.
Variant type: single nucleotide variant.
Coding change: c.45G>T on transcript NM_212552.3 (MANE Select); coding-DNA position 45, G replaced by T.
Protein change: p.Gly15=; no amino-acid change (glycine 15 retained).
Molecular consequence: synonymous variant.
Genome position (GRCh38, 1-based): chr2:74,147,830, C>A on the plus strand (G>T on the coding strand, the complement: BOLA3 is on the minus strand). VCF-style: chr2-74147830-C-A. GRCh37 (hg19) VCF-style: chr2-74374957-C-A.
Other names: p.G15G:GGG>GGT; c.45G>T, p.Gly15= (NM_001035505.2).
Identifiers: ClinVar variation 214169 (VCV000214169.13), dbSNP rs531409597, ClinGen allele CA324533.